The following is an entry in ClinVar:

ClinVar aggregate classification (germline): Pathogenic (1 of 4 stars; one submission).

Submission:

Labcorp Genetics (formerly Invitae), Labcorp
Classification: Pathogenic. Last evaluated: 2023-06-15. Review status: criteria provided, single submitter. Criteria: Invitae Variant Classification Sherloc (09022015). Collection method: clinical testing. Allele origin: unknown.
Comment: For these reasons, this variant has been classified as Pathogenic. This variant has not been reported in the literature in individuals affected with ABCA4-related conditions. This variant is a gross deletion of the genomic region encompassing exon(s) 12 of the ABCA4 gene. This deletion is out-of-frame, and is expected to create a premature termination codon and result in an absent or disrupted protein product. Loss-of-function variants in ABCA4 are known to be pathogenic (PMID: 10958761, 24938718, 25312043, 26780318).

Literature cited by the submitters: PubMed 10958761; PubMed 24938718; PubMed 25312043; PubMed 26780318.

NC_000001.10:g.(?_94528648)_(94528893_?)del

Gene: ABCA4 (ATP binding cassette subfamily A member 4; minus strand). Cytogenetic location: 1p22.1.
Variant type: Deletion.
Identifiers: ClinVar variation 3247881 (VCV003247881.1).